The following is an entry in ClinVar:

ClinVar aggregate classification (germline): Pathogenic/Likely pathogenic. Review status: criteria provided, multiple submitters, no conflicts (2 of 4 stars). 3 submissions from 3 submitters: Pathogenic (1); Likely pathogenic (2). Last evaluated 2024-07-07.

Conditions:
Retinitis pigmentosa 39 (RP39). Identifiers: Orphanet 791, MedGen C3151138, MONDO:0013436, OMIM 613809.
Usher syndrome type 2A. Also called: USHER SYNDROME, TYPE IIA; RETINAL DISEASE IN USHER SYNDROME TYPE IIA, MODIFIER OF. Identifiers: Orphanet 231178, Orphanet 886, MedGen C1848634, MONDO:0010169, OMIM 276901.

Submissions (3):

Natera, Inc.
Classification: Likely pathogenic for Usher syndrome type 2A. Last evaluated: 2024-07-07. Review status: criteria provided, single submitter. Criteria: Natera Variant Classification Schema (03/2026). Collection method: clinical testing. Allele origin: germline.
Comment: The c.13732_13796dup variant in USH2A is a frameshift variant predicted to shift the reading frame beginning at codon 4601 and leads to a stop codon 4 codons downstream. This variant is expected to result in nonsense mediated decay, truncation, or a dysfunctional protein product. This variant is rare in the general population with a frequency below the threshold expected for the associated phenotype(s). Given the available evidence, this variant is classified as Likely Pathogenic.

Labcorp Genetics (formerly Invitae), Labcorp
Classification: Pathogenic. Last evaluated: 2024-02-25. Review status: criteria provided, single submitter. Criteria: Invitae Variant Classification Sherloc (09022015). Collection method: clinical testing. Allele origin: germline.
Comment: This sequence change creates a premature translational stop signal (p.Pro4601Serfs*4) in the USH2A gene. It is expected to result in an absent or disrupted protein product. Loss-of-function variants in USH2A are known to be pathogenic (PMID: 10729113, 10909849, 20507924, 25649381). This variant is not present in population databases (gnomAD no frequency). This variant has not been reported in the literature in individuals affected with USH2A-related conditions. ClinVar contains an entry for this variant (Variation ID: 1453149). For these reasons, this variant has been classified as Pathogenic.

Baylor Genetics
Classification: Likely pathogenic for Retinitis pigmentosa 39. Last evaluated: 2023-12-04. Review status: criteria provided, single submitter. Criteria: ACMG Guidelines, 2015. Collection method: clinical testing. Allele origin: unknown.

Literature cited by the submitters: PubMed 10729113 (cited by Labcorp Genetics (formerly Invitae), Labcorp); PubMed 10909849 (cited by Labcorp Genetics (formerly Invitae), Labcorp); PubMed 20507924 (cited by Labcorp Genetics (formerly Invitae), Labcorp); PubMed 25649381 (cited by Labcorp Genetics (formerly Invitae), Labcorp).

NM_206933.4(USH2A):c.13732_13796dup (p.Lys4600_Pro4601insSerTyrThrTerLys)

Gene: USH2A (usherin; minus strand). Cytogenetic location: 1q41.
Variant type: Duplication.
Coding change: c.13732_13796dup on transcript NM_206933.4 (MANE Select); coding-DNA positions 13732 to 13796, 65 bases duplicated.
Protein change: p.Lys4600_Pro4601insSerTyrThrTerLys.
Molecular consequence: nonsense, inframe insertion.
Genome position (GRCh38, 1-based): chr1:215,674,115-215,674,179, 65 bases duplicated. GRCh37 (hg19): chr1:215,847,459-215,847,523.
Other names: c.13732_13796dup (NM_206933.2).
Identifiers: ClinVar variation 1453149 (VCV001453149.8), dbSNP rs2102664474, ClinGen allele CA2573131543.